The following is an entry in ClinVar:

ClinVar aggregate classification (germline): Uncertain significance (1 of 4 stars; one submission).

Conditions:
Deficiency of 2-methylbutyryl-CoA dehydrogenase (ACADSB). Also called: 2-methylbutyrylglycinuria; 2-methylbutyryl-CoA dehydrogenase deficiency; SBCAD deficiency; 2-methylbutyric aciduria; Short branched-chain acyl-CoA dehydrogenase deficiency. Identifiers: Orphanet 79157, MedGen C1864912, MONDO:0012392, OMIM 610006, HP:0020147.

Allele frequency attached by ClinVar (database versions not stated): gnomAD 0.00001.
gnomAD v4.1: 5 of 1,613,138 alleles (0.00031%); highest among the groups gnomAD compares: South Asian, 0.0044%; no homozygotes.

Submission:

Labcorp Genetics (formerly Invitae), Labcorp
Classification: Uncertain significance for Deficiency of 2-methylbutyryl-CoA dehydrogenase. Last evaluated: 2022-11-24. Review status: criteria provided, single submitter. Criteria: Invitae Variant Classification Sherloc (09022015). Collection method: clinical testing. Allele origin: germline.
Comment: This sequence change replaces glycine, which is neutral and non-polar, with valine, which is neutral and non-polar, at codon 410 of the ACADSB protein (p.Gly410Val). This variant is present in population databases (no rsID available, gnomAD 0.003%). This variant has not been reported in the literature in individuals affected with ACADSB-related conditions. Algorithms developed to predict the effect of missense changes on protein structure and function are either unavailable or do not agree on the potential impact of this missense change (SIFT: "Deleterious"; PolyPhen-2: "Probably Damaging"; Align-GVGD: "Class C0"). Algorithms developed to predict the effect of sequence changes on RNA splicing suggest that this variant may disrupt the consensus splice site. In summary, the available evidence is currently insufficient to determine the role of this variant in disease. Therefore, it has been classified as a Variant of Uncertain Significance.

NM_001609.4(ACADSB):c.1229G>T (p.Gly410Val)

Gene: ACADSB (acyl-CoA dehydrogenase short/branched chain; plus strand). Cytogenetic location: 10q26.13.
Variant type: single nucleotide variant.
Coding change: c.1229G>T on transcript NM_001609.4 (MANE Select); coding-DNA position 1229, G replaced by T.
Protein change: p.Gly410Val; replaces glycine 410 with valine.
Molecular consequence: missense variant.
Genome position (GRCh38, 1-based): chr10:123,053,695, G>T. VCF-style: chr10-123053695-G-T. GRCh37 (hg19) VCF-style: chr10-124813211-G-T.
Other names: c.923G>T, p.Gly308Val (NM_001330174.3); short protein forms G308V, G410V.
Identifiers: ClinVar variation 2997761 (VCV002997761.3), dbSNP rs918891237, ClinGen allele CA378622846.